The following is an entry in ClinVar:

NM_000051.4(ATM):c.7745G>A (p.Arg2582Lys)

Genes: ATM (ATM serine/threonine kinase; plus strand), C11orf65 (chromosome 11 open reading frame 65; minus strand). Cytogenetic location: 11q22.3.
Variant type: single nucleotide variant.
Coding change: c.7745G>A on transcript NM_000051.4 (MANE Select); coding-DNA position 7745, G replaced by A.
Protein change: p.Arg2582Lys; replaces arginine 2582 with lysine.
Molecular consequence: missense variant. On other transcripts: intron variant (2).
Genome position (GRCh38, 1-based): chr11:108,331,994, G>A. VCF-style: chr11-108331994-G-A. GRCh37 (hg19) VCF-style: chr11-108202721-G-A.
Other names: c.7745G>A, p.Arg2582Lys (NM_001351834.2); c.641-22923C>T (NM_001330368.2); c.*38+3226C>T (NM_001351110.2); short protein forms R2582K.
Identifiers: ClinVar variation 3654615 (VCV003654615.2).

ClinVar aggregate classification (germline): Uncertain significance (1 of 4 stars; one submission).

Conditions:
Ataxia-telangiectasia syndrome (AT). Also called: Ataxia-telangiectasia, complementation group D; AT, COMPLEMENTATION GROUP C; ATAXIA-TELANGIECTASIA, COMPLEMENTATION GROUP A; ATAXIA-TELANGIECTASIA, FRESNO VARIANT; Ataxia-telangiectasia; Ataxia-telangiectasia, complementation group E. Identifiers: Orphanet 100, MedGen C0004135, MONDO:0008840, OMIM 208900.

gnomAD v4.1: 1 of 1,613,998 alleles (0.000062%); highest among the groups gnomAD compares: South Asian, 0.0011%; no homozygotes.

Submission:

Labcorp Genetics (formerly Invitae), Labcorp
Classification: Uncertain significance for Ataxia-telangiectasia syndrome. Last evaluated: 2024-05-26. Review status: criteria provided, single submitter. Criteria: Invitae Variant Classification Sherloc (09022015). Collection method: clinical testing. Allele origin: germline.
Comment: This sequence change replaces arginine, which is basic and polar, with lysine, which is basic and polar, at codon 2582 of the ATM protein (p.Arg2582Lys). This variant is present in population databases (rs758128730, gnomAD 0.003%). This variant has not been reported in the literature in individuals affected with ATM-related conditions. Algorithms developed to predict the effect of missense changes on protein structure and function output the following: SIFT: "Not Available"; PolyPhen-2: "Benign"; Align-GVGD: "Not Available". The lysine amino acid residue is found in multiple mammalian species, which suggests that this missense change does not adversely affect protein function. In summary, the available evidence is currently insufficient to determine the role of this variant in disease. Therefore, it has been classified as a Variant of Uncertain Significance.